The following is an entry in ClinVar:

NM_003816.3(ADAM9):c.92G>A (p.Arg31Gln)

Genes: ADAM9 (ADAM metallopeptidase domain 9; plus strand), LOC130000261 (ATAC-STARR-seq lymphoblastoid active region 27275; plus strand). Cytogenetic location: 8p11.22.
Variant type: single nucleotide variant.
Coding change: c.92G>A on transcript NM_003816.3 (MANE Select); coding-DNA position 92, G replaced by A.
Protein change: p.Arg31Gln; replaces arginine 31 with glutamine.
Molecular consequence: missense variant. On other transcripts: non-coding transcript variant (3).
Genome position (GRCh38, 1-based): chr8:38,997,155, G>A. VCF-style: chr8-38997155-G-A. GRCh37 (hg19) VCF-style: chr8-38854674-G-A.
Other names: short protein forms R31Q.
Identifiers: ClinVar variation 1410733 (VCV001410733.6), dbSNP rs745797513, ClinGen allele CA4721192.

ClinVar aggregate classification (germline): Uncertain significance. Review status: criteria provided, multiple submitters, no conflicts (2 of 4 stars). 2 submissions from 2 submitters: Uncertain significance (2). Last evaluated 2022-03-12.

Allele frequency attached by ClinVar (database versions not stated): ExAC 0.00001; gnomAD 0.00001; gnomAD exomes 0.00001; TOPMed 0.00001.
gnomAD v4.1: 9 of 1,598,476 alleles (0.00056%); highest among the groups gnomAD compares: Middle Eastern, 0.05%; no homozygotes.

Submissions (2):

Labcorp Genetics (formerly Invitae), Labcorp
Classification: Uncertain significance. Last evaluated: 2022-03-12. Review status: criteria provided, single submitter. Criteria: Invitae Variant Classification Sherloc (09022015). Collection method: clinical testing. Allele origin: germline.
Comment: This sequence change replaces arginine, which is basic and polar, with glutamine, which is neutral and polar, at codon 31 of the ADAM9 protein (p.Arg31Gln). This variant is present in population databases (rs745797513, gnomAD 0.002%). This variant has not been reported in the literature in individuals affected with ADAM9-related conditions. Algorithms developed to predict the effect of missense changes on protein structure and function output the following: SIFT: "Deleterious"; PolyPhen-2: "Benign"; Align-GVGD: "Class C0". The glutamine amino acid residue is found in multiple mammalian species, which suggests that this missense change does not adversely affect protein function. Algorithms developed to predict the effect of sequence changes on RNA splicing suggest that this variant may create or strengthen a splice site. In summary, the available evidence is currently insufficient to determine the role of this variant in disease. Therefore, it has been classified as a Variant of Uncertain Significance.

Blueprint Genetics
Classification: Uncertain significance. Last evaluated: 2019-08-13. Review status: criteria provided, single submitter. Criteria: ACMG Guidelines, 2015. Collection method: clinical testing. Allele origin: germline.